The following is an entry in ClinVar:

NM_005219.5(DIAPH1):c.3212G>A (p.Arg1071His)

Gene: DIAPH1 (diaphanous related formin 1; minus strand). Cytogenetic location: 5q31.3.
Variant type: single nucleotide variant.
Coding change: c.3212G>A on transcript NM_005219.5 (MANE Select); coding-DNA position 3212, G replaced by A.
Protein change: p.Arg1071His; replaces arginine 1071 with histidine.
Molecular consequence: missense variant.
Genome position (GRCh38, 1-based): chr5:141,527,634, C>T on the plus strand (G>A on the coding strand, the complement: DIAPH1 is on the minus strand). VCF-style: chr5-141527634-C-T. GRCh37 (hg19) VCF-style: chr5-140907201-C-T.
Other names: c.3185G>A, p.Arg1062His (NM_001079812.3); c.3212G>A, p.Arg1071His (NM_001314007.2); short protein forms R1071H, R1062H.
Identifiers: ClinVar variation 1398014 (VCV001398014.7), dbSNP rs538492176, ClinGen allele CA3478837.

ClinVar aggregate classification (germline): Uncertain significance. Review status: criteria provided, multiple submitters, no conflicts (2 of 4 stars). 2 submissions from 2 submitters: Uncertain significance (2). Last evaluated 2025-09-23.

Conditions:
Progressive microcephaly-seizures-cortical blindness-developmental delay syndrome. Also called: Seizures, cortical blindness, and microcephaly syndrome. Identifiers: Orphanet 477814, MedGen C5567650, MONDO:0014714, OMIM 616632.
Autosomal dominant nonsyndromic hearing loss 1. Also called: KONIGSMARK SYNDROME; DEAFNESS, AUTOSOMAL DOMINANT 1, WITH OR WITHOUT THROMBOCYTOPENIA. Identifiers: Orphanet 90635, MedGen C1852282, MONDO:0007424, OMIM 124900.

Allele frequency attached by ClinVar (database versions not stated): gnomAD 0.00002 and 0.00003; TOPMed 0.00003; ExAC 0.00004; 1000 Genomes Project 30x 0.00016; 1000 Genomes Project 0.00020.
gnomAD v4.1: 49 of 1,596,638 alleles (0.0031%); highest among the groups gnomAD compares: South Asian, 0.029%; 1 homozygote.

Submissions (2):

Labcorp Genetics (formerly Invitae), Labcorp
Classification: Uncertain significance for Progressive microcephaly-seizures-cortical blindness-developmental delay syndrome; Autosomal dominant nonsyndromic hearing loss 1. Last evaluated: 2025-09-23. Review status: criteria provided, single submitter. Criteria: Invitae Variant Classification Sherloc (09022015). Collection method: clinical testing. Allele origin: germline.
Comment: This sequence change replaces arginine, which is basic and polar, with histidine, which is basic and polar, at codon 1071 of the DIAPH1 protein (p.Arg1071His). This variant is present in population databases (rs538492176, gnomAD 0.02%). This variant has not been reported in the literature in individuals affected with DIAPH1-related conditions. ClinVar contains an entry for this variant (Variation ID: 1398014). An algorithm developed to predict the effect of missense changes on protein structure and function (PolyPhen-2) suggests that this variant is likely to be tolerated. In summary, the available evidence is currently insufficient to determine the role of this variant in disease. Therefore, it has been classified as a Variant of Uncertain Significance.

Blueprint Genetics
Classification: Uncertain significance. Last evaluated: 2023-11-09. Review status: criteria provided, single submitter. Criteria: ACMG Guidelines, 2015. Collection method: clinical testing. Allele origin: germline.